The following is an entry in ClinVar:

ClinVar aggregate classification (germline): Uncertain significance (1 of 4 stars; one submission).

Conditions:
Autosomal dominant epilepsy with auditory features. Identifiers: Orphanet 101046, MedGen C1838062, MONDO:0010898.

Submission:

Labcorp Genetics (formerly Invitae), Labcorp
Classification: Uncertain significance for Autosomal dominant epilepsy with auditory features. Last evaluated: 2018-07-03. Review status: criteria provided, single submitter. Criteria: Invitae Variant Classification Sherloc (09022015). Collection method: clinical testing. Allele origin: germline.
Comment: This variant has not been reported in the literature in individuals with LGI1-related disease. This variant is not present in population databases (ExAC no frequency). This sequence change falls in intron 1 of the LGI1 gene. It does not directly change the encoded amino acid sequence of the LGI1 protein. In summary, the available evidence is currently insufficient to determine the role of this variant in disease. Therefore, it has been classified as a Variant of Uncertain Significance. Algorithms developed to predict the effect of sequence changes on RNA splicing suggest that this variant may create or strengthen a splice site, but this prediction has not been confirmed by published transcriptional studies.

NM_005097.4(LGI1):c.215+7C>T

Gene: LGI1 (leucine rich glioma inactivated 1; plus strand). Cytogenetic location: 10q23.33.
Variant type: single nucleotide variant.
Coding change: c.215+7C>T on transcript NM_005097.4 (MANE Select); 7 bases into the intron after coding-DNA position 215, C replaced by T.
Molecular consequence: intron variant. On other transcripts: non-coding transcript variant (1).
Genome position (GRCh38, 1-based): chr10:93,758,366, C>T. VCF-style: chr10-93758366-C-T. GRCh37 (hg19) VCF-style: chr10-95518123-C-T.
Other names: c.215+7C>T (NM_001308275.2, NM_001308276.2).
Identifiers: ClinVar variation 641695 (VCV000641695.10), dbSNP rs1589747145, ClinGen allele CA915947501.